The following is an entry in ClinVar:

ClinVar aggregate classification (germline): Uncertain significance (1 of 4 stars; one submission).

Allele frequency attached by ClinVar (database versions not stated): gnomAD exomes below 0.00001; ExAC 0.00001.
gnomAD v4.1: 1 of 1,613,972 alleles (0.000062%); highest among the groups gnomAD compares: East Asian, 0.0022%; no homozygotes.

Submission:

Labcorp Genetics (formerly Invitae), Labcorp
Classification: Uncertain significance. Last evaluated: 2021-07-30. Review status: criteria provided, single submitter. Criteria: Invitae Variant Classification Sherloc (09022015). Collection method: clinical testing. Allele origin: germline.
Comment: In summary, the available evidence is currently insufficient to determine the role of this variant in disease. Therefore, it has been classified as a Variant of Uncertain Significance. Algorithms developed to predict the effect of missense changes on protein structure and function output the following: SIFT: "Tolerated"; PolyPhen-2: "Benign"; Align-GVGD: "Class C0". The isoleucine amino acid residue is found in multiple mammalian species, which suggests that this missense change does not adversely affect protein function. This variant has not been reported in the literature in individuals affected with SPPL2A-related conditions. This variant is present in population databases (rs149311149, ExAC 0.01%). This sequence change replaces valine with isoleucine at codon 370 of the SPPL2A protein (p.Val370Ile). The valine residue is highly conserved and there is a small physicochemical difference between valine and isoleucine.

NM_032802.4(SPPL2A):c.1108G>A (p.Val370Ile)

Gene: SPPL2A (signal peptide peptidase like 2A; minus strand). Cytogenetic location: 15q21.2.
Variant type: single nucleotide variant.
Coding change: c.1108G>A on transcript NM_032802.4 (MANE Select); coding-DNA position 1108, G replaced by A.
Protein change: p.Val370Ile; replaces valine 370 with isoleucine.
Molecular consequence: missense variant.
Genome position (GRCh38, 1-based): chr15:50,726,359, C>T on the plus strand (G>A on the coding strand, the complement: SPPL2A is on the minus strand). VCF-style: chr15-50726359-C-T. GRCh37 (hg19) VCF-style: chr15-51018556-C-T.
Other names: short protein forms V370I.
Identifiers: ClinVar variation 1513558 (VCV001513558.6), dbSNP rs149311149, ClinGen allele CA7558310.